The following is an entry in ClinVar:

NM_001987.5(ETV6):c.556A>G (p.Ile186Val)

Gene: ETV6 (ETS variant transcription factor 6; plus strand). Cytogenetic location: 12p13.2.
Variant type: single nucleotide variant.
Coding change: c.556A>G on transcript NM_001987.5 (MANE Select); coding-DNA position 556, A replaced by G.
Protein change: p.Ile186Val; replaces isoleucine 186 with valine.
Molecular consequence: missense variant.
Genome position (GRCh38, 1-based): chr12:11,869,516, A>G. VCF-style: chr12-11869516-A-G. GRCh37 (hg19) VCF-style: chr12-12022450-A-G.
Other names: short protein forms I186V.
Identifiers: ClinVar variation 1338480 (VCV001338480.8), dbSNP rs372716250, ClinGen allele CA6454280.

ClinVar aggregate classification (germline): Conflicting classifications of pathogenicity. Review status: criteria provided, conflicting classifications (1 of 4 stars). 3 submissions from 3 submitters: Uncertain significance (2); Likely benign (1). Last evaluated 2025-12-24.

Conditions:
Inborn genetic diseases. Identifiers: MedGen C0950123, MeSH D030342.

Allele frequency attached by ClinVar (database versions not stated): gnomAD exomes 0.00003; ESP Exome Variant Server 0.00008.
gnomAD v4.1: 37 of 1,614,086 alleles (0.0023%); highest among the groups gnomAD compares: South Asian, 0.013%; no homozygotes.

Submissions (3):

Labcorp Genetics (formerly Invitae), Labcorp
Classification: Uncertain significance. Last evaluated: 2025-12-24. Review status: criteria provided, single submitter. Criteria: Invitae Variant Classification Sherloc (09022015). Collection method: clinical testing. Allele origin: germline.
Comment: This sequence change replaces isoleucine, which is neutral and non-polar, with valine, which is neutral and non-polar, at codon 186 of the ETV6 protein (p.Ile186Val). This variant is present in population databases (rs372716250, gnomAD 0.02%). This missense change has been observed in individual(s) with hematological malignancy (PMID: 33850299). ClinVar contains an entry for this variant (Variation ID: 1338480). Invitae Evidence Modeling of protein sequence and biophysical properties (such as structural, functional, and spatial information, amino acid conservation, physicochemical variation, residue mobility, and thermodynamic stability) indicates that this missense variant is not expected to disrupt ETV6 protein function with a negative predictive value of 80%. In summary, the available evidence is currently insufficient to determine the role of this variant in disease. Therefore, it has been classified as a Variant of Uncertain Significance.

Ambry Genetics
Classification: Likely benign for Inborn genetic diseases. Last evaluated: 2024-10-17. Review status: criteria provided, single submitter. Criteria: Ambry Variant Classification Scheme 2023. Collection method: clinical testing. Allele origin: germline.

Genetic Services Laboratory, University of Chicago
Classification: Uncertain significance. Last evaluated: 2019-01-18. Review status: criteria provided, single submitter. Criteria: ACMG Guidelines, 2015. Collection method: clinical testing. Allele origin: germline. Affected: no.

Literature cited by the submitters: PubMed 33850299 (cited by Labcorp Genetics (formerly Invitae), Labcorp).